The following is an entry in ClinVar:

NM_001242896.3(DEPDC5):c.2934C>A (p.Asp978Glu)

Gene: DEPDC5 (DEP domain containing 5, GATOR1 subcomplex subunit; plus strand). Cytogenetic location: 22q12.3.
Variant type: single nucleotide variant.
Coding change: c.2934C>A on transcript NM_001242896.3 (MANE Select); coding-DNA position 2934, C replaced by A.
Protein change: p.Asp978Glu; replaces aspartic acid 978 with glutamic acid.
Molecular consequence: missense variant. On other transcripts: non-coding transcript variant (5).
Genome position (GRCh38, 1-based): chr22:31,845,150, C>A. VCF-style: chr22-31845150-C-A. GRCh37 (hg19) VCF-style: chr22-32241136-C-A.
Other names: c.2907C>A, p.Asp969Glu (NM_001136029.4, NM_001369903.1, NM_014662.6); c.2700C>A, p.Asp900Glu (NM_001242897.2, NM_001363854.2, NM_001364319.2); c.2934C>A, p.Asp978Glu (NM_001363852.2, NM_001364318.2, NM_001364320.2); c.2850C>A, p.Asp950Glu (NM_001369901.1, NM_001369902.1); short protein forms D978E, D900E, D950E, D969E.
Identifiers: ClinVar variation 2752205 (VCV002752205.3), dbSNP rs559006082, ClinGen allele CA411291254.

ClinVar aggregate classification (germline): Uncertain significance (1 of 4 stars; one submission).

Conditions:
Familial focal epilepsy with variable foci (FPEVF). Identifiers: Orphanet 98820, MedGen C1858477, MONDO:0020310.

Submission:

Labcorp Genetics (formerly Invitae), Labcorp
Classification: Uncertain significance for Familial focal epilepsy with variable foci. Last evaluated: 2023-08-11. Review status: criteria provided, single submitter. Criteria: Invitae Variant Classification Sherloc (09022015). Collection method: clinical testing. Allele origin: germline.
Comment: In summary, the available evidence is currently insufficient to determine the role of this variant in disease. Therefore, it has been classified as a Variant of Uncertain Significance. Algorithms developed to predict the effect of missense changes on protein structure and function output the following: SIFT: "Not Available"; PolyPhen-2: "Not Available"; Align-GVGD: "Not Available". The glutamic acid amino acid residue is found in multiple mammalian species, which suggests that this missense change does not adversely affect protein function. This variant has not been reported in the literature in individuals affected with DEPDC5-related conditions. This variant is not present in population databases (gnomAD no frequency). This sequence change replaces aspartic acid, which is acidic and polar, with glutamic acid, which is acidic and polar, at codon 978 of the DEPDC5 protein (p.Asp978Glu).